The following is an entry in ClinVar:

NM_032043.3(BRIP1):c.1852T>C (p.Ser618Pro)

Gene: BRIP1 (BRCA1 interacting DNA helicase 1; minus strand). Cytogenetic location: 17q23.2.
Variant type: single nucleotide variant.
Coding change: c.1852T>C on transcript NM_032043.3 (MANE Select); coding-DNA position 1852, T replaced by C.
Protein change: p.Ser618Pro; replaces serine 618 with proline.
Molecular consequence: missense variant.
Genome position (GRCh38, 1-based): chr17:61,780,344, A>G on the plus strand (T>C on the coding strand, the complement: BRIP1 is on the minus strand). VCF-style: chr17-61780344-A-G. GRCh37 (hg19) VCF-style: chr17-59857705-A-G.
Other names: short protein forms S618P.
Identifiers: ClinVar variation 233095 (VCV000233095.14), dbSNP rs876660191, ClinGen allele CA10580825.

ClinVar aggregate classification (germline): Uncertain significance. Review status: criteria provided, multiple submitters, no conflicts (2 of 4 stars). 3 submissions from 3 submitters: Uncertain significance (3). Last evaluated 2025-11-09.

Conditions:
Hereditary cancer-predisposing syndrome. Also called: Hereditary Cancer Syndrome; Neoplastic Syndromes, Hereditary; Tumor predisposition; Hereditary neoplastic syndrome. Identifiers: Orphanet 140162, MedGen C0027672, MeSH D009386, MONDO:0015356.
Fanconi anemia complementation group J. Also called: BRIP1-Related Fanconi Anemia. Identifiers: Orphanet 84, MedGen C1836860, MONDO:0012187, OMIM 609054.
Familial cancer of breast. Also called: Hereditary breast cancer; hereditary breast carcinoma; BREAST CANCER, FAMILIAL. Identifiers: Orphanet 227535, MedGen C0346153, MONDO:0016419, OMIM 114480. Disease mechanism: loss of function.

Submissions (3):

Labcorp Genetics (formerly Invitae), Labcorp
Classification: Uncertain significance for Familial cancer of breast; Fanconi anemia complementation group J. Last evaluated: 2025-11-09. Review status: criteria provided, single submitter. Criteria: Invitae Variant Classification Sherloc (09022015). Collection method: clinical testing. Allele origin: germline.
Comment: This sequence change replaces serine, which is neutral and polar, with proline, which is neutral and non-polar, at codon 618 of the BRIP1 protein (p.Ser618Pro). This variant is not present in population databases (gnomAD no frequency). This variant has not been reported in the literature in individuals affected with BRIP1-related conditions. ClinVar contains an entry for this variant (Variation ID: 233095). Invitae Evidence Modeling of protein sequence and biophysical properties (such as structural, functional, and spatial information, amino acid conservation, physicochemical variation, residue mobility, and thermodynamic stability) has been performed for this missense variant. However, the output from this modeling did not meet the statistical confidence thresholds required to predict the impact of this variant on BRIP1 protein function. In summary, the available evidence is currently insufficient to determine the role of this variant in disease. Therefore, it has been classified as a Variant of Uncertain Significance.

Ambry Genetics
Classification: Uncertain significance for Hereditary cancer-predisposing syndrome. Last evaluated: 2025-05-02. Review status: criteria provided, single submitter. Criteria: Ambry Variant Classification Scheme 2023. Collection method: clinical testing. Allele origin: germline.
Comment: The p.S618P variant (also known as c.1852T>C), located in coding exon 12 of the BRIP1 gene, results from a T to C substitution at nucleotide position 1852. The serine at codon 618 is replaced by proline, an amino acid with similar properties. This amino acid position is highly conserved in available vertebrate species. In addition, this alteration is predicted to be deleterious by in silico analysis. Since supporting evidence is limited at this time, the clinical significance of this alteration remains unclear.

Institute of Human Genetics, University of Leipzig Medical Center
Classification: Uncertain significance for Familial cancer of breast. Last evaluated: 2019-01-01. Review status: criteria provided, single submitter. Criteria: ACMG Guidelines, 2015. Collection method: clinical testing. Allele origin: unknown. Affected: yes.